The following is an entry in ClinVar:

NM_014946.4(SPAST):c.1331dup (p.Asp444fs)

Gene: SPAST (spastin; plus strand). Cytogenetic location: 2p22.3.
Variant type: Duplication.
Coding change: c.1331dup on transcript NM_014946.4 (MANE Select); coding-DNA position 1331, one base duplicated (A; older notation c.1331dupA).
Protein change: p.Asp444fs; shifts the reading frame from aspartic acid 444.
Molecular consequence: frameshift variant.
Genome position (GRCh38, 1-based): chr2:32,136,886, A duplicated. VCF-style (leftmost placement, unchanged base first): chr2-32136885-G-GA. GRCh37 (hg19) VCF-style: chr2-32361954-G-GA.
Other names: c.1328dup, p.Asp443fs (NM_001363823.2); c.1232dup, p.Asp411fs (NM_001363875.2); c.1235dup, p.Asp412fs (NM_001377959.1, NM_199436.2); short protein forms D412fs, D444fs, D411fs, D443fs.
Identifiers: ClinVar variation 3662358 (VCV003662358.2).

ClinVar aggregate classification (germline): Pathogenic (1 of 4 stars; one submission).

Conditions:
Hereditary spastic paraplegia 4. Also called: Spastic paraplegia 4, autosomal dominant; Spastic Paraplegia 4; Familial spastic paraplegia autosomal dominant 2. Identifiers: Orphanet 100985, MedGen C1866855, MONDO:0008438, OMIM 182601.

Submission:

Labcorp Genetics (formerly Invitae), Labcorp
Classification: Pathogenic for Hereditary spastic paraplegia 4. Last evaluated: 2024-08-14. Review status: criteria provided, single submitter. Criteria: Invitae Variant Classification Sherloc (09022015). Collection method: clinical testing. Allele origin: germline.
Comment: This sequence change creates a premature translational stop signal (p.Asp444Glufs*2) in the SPAST gene. It is expected to result in an absent or disrupted protein product. Loss-of-function variants in SPAST are known to be pathogenic (PMID: 20932283). This variant is not present in population databases (gnomAD no frequency). This variant has not been reported in the literature in individuals affected with SPAST-related conditions. For these reasons, this variant has been classified as Pathogenic.

Literature cited by the submitters: PubMed 20932283.